The following is an entry in ClinVar:

NM_001378615.1(CC2D2A):c.1676T>G (p.Leu559Arg)

Genes: CC2D2A (coiled-coil and C2 domain containing 2A; plus strand), FBXL5 (F-box and leucine rich repeat protein 5; minus strand). Cytogenetic location: 4p15.32.
Variant type: single nucleotide variant.
Coding change: c.1676T>G on transcript NM_001378615.1 (MANE Select); coding-DNA position 1676, T replaced by G.
Protein change: p.Leu559Arg; replaces leucine 559 with arginine.
Molecular consequence: missense variant.
Genome position (GRCh38, 1-based): chr4:15,536,988, T>G. VCF-style: chr4-15536988-T-G. GRCh37 (hg19) VCF-style: chr4-15538611-T-G.
Other names: c.1529T>G, p.Leu510Arg (NM_001378617.1); c.1676T>G, p.Leu559Arg (NM_001080522.2); short protein forms L510R, L559R.
Identifiers: ClinVar variation 1499411 (VCV001499411.6), dbSNP rs754221308, ClinGen allele CA356411315.

ClinVar aggregate classification (germline): Likely pathogenic (1 of 4 stars; one submission).

Conditions:
Joubert syndrome. Also called: JOUBERT-BOLTSHAUSER SYNDROME; Familial aplasia of the vermis. Identifiers: Orphanet 475, MedGen C5979921, MONDO:0018772.
Meckel-Gruber syndrome. Also called: DYSENCEPHALIA SPLANCHNOCYSTICA; GRUBER SYNDROME; Dysencephalia splachnocystica. Identifiers: Orphanet 564, MedGen C0265215, MONDO:0018921.

gnomAD v4.1: 1 of 1,613,812 alleles (0.000062%); highest among the groups gnomAD compares: Non-Finnish European, 0.000085%; no homozygotes.

Submission:

Labcorp Genetics (formerly Invitae), Labcorp
Classification: Likely pathogenic for Joubert syndrome; Meckel-Gruber syndrome. Last evaluated: 2022-08-09. Review status: criteria provided, single submitter. Criteria: Invitae Variant Classification Sherloc (09022015). Collection method: clinical testing. Allele origin: germline.
Comment: In summary, the currently available evidence indicates that the variant is pathogenic, but additional data are needed to prove that conclusively. Therefore, this variant has been classified as Likely Pathogenic. This variant disrupts the p.Leu559 amino acid residue in CC2D2A. Other variant(s) that disrupt this residue have been determined to be pathogenic (PMID: 21068128, 26092869). This suggests that this residue is clinically significant, and that variants that disrupt this residue are likely to be disease-causing. Advanced modeling of protein sequence and biophysical properties (such as structural, functional, and spatial information, amino acid conservation, physicochemical variation, residue mobility, and thermodynamic stability) performed at Invitae indicates that this missense variant is expected to disrupt CC2D2A protein function. ClinVar contains an entry for this variant (Variation ID: 1499411). This variant has not been reported in the literature in individuals affected with CC2D2A-related conditions. This variant is not present in population databases (gnomAD no frequency). This sequence change replaces leucine, which is neutral and non-polar, with arginine, which is basic and polar, at codon 559 of the CC2D2A protein (p.Leu559Arg).

Literature cited by the submitters: PubMed 21068128; PubMed 26092869.